The following is an entry in ClinVar:

ClinVar aggregate classification (germline): Likely benign. Review status: criteria provided, multiple submitters, no conflicts (2 of 4 stars). 7 submissions from 7 submitters: Likely benign (7). Last evaluated 2026-03-01.

Conditions:
SCN10A-related disorder. Also called: SCN10A-related condition.
Episodic pain syndrome, familial, 2 (FEPS2). Identifiers: Orphanet 306577, MedGen C3809893, MONDO:0014246, OMIM 615551.
Cardiovascular phenotype. Identifiers: MedGen CN230736.
Brugada syndrome. Also called: Sudden unexpected nocturnal death syndrome; Sudden unexplained nocturnal death syndrome; Sudden Unexplained Death Syndrome; Sudden Unexplained Nocturnal Death Syndrome (SUNDS). Identifiers: Orphanet 130, MedGen C1142166, MONDO:0015263.

Allele frequency attached by ClinVar (database versions not stated): gnomAD exomes 0.00005 and 0.00008; ESP Exome Variant Server 0.00008; ExAC 0.00011; gnomAD 0.00016 and 0.00019; TOPMed 0.00019; 1000 Genomes Project 0.00060; 1000 Genomes Project 30x 0.00062.

Submissions (7):

CeGaT Center for Human Genetics Tuebingen
Classification: Likely benign. Last evaluated: 2026-03-01. Review status: criteria provided, single submitter. Criteria: CeGaT Center For Human Genetics Tuebingen Variant Classification Criteria Version 2. Collection method: clinical testing. Allele origin: germline. Affected: yes. Observed: 2 variant alleles.
Comment: SCN10A: BP4, BP7

PreventionGenetics, part of Exact Sciences
Classification: Likely benign for SCN10A-related condition. Last evaluated: 2026-02-04. Review status: criteria provided, single submitter. Criteria: ACMG Guidelines, 2015. Collection method: clinical testing. Allele origin: germline.
Comment: This variant is classified as likely benign based on ACMG/AMP sequence variant interpretation guidelines (Richards et al. 2015 PMID: 25741868, with internal and published modifications).

Labcorp Genetics (formerly Invitae), Labcorp
Classification: Likely benign for Brugada syndrome. Last evaluated: 2025-12-08. Review status: criteria provided, single submitter. Criteria: Invitae Variant Classification Sherloc (09022015). Collection method: clinical testing. Allele origin: germline.

Blueprint Genetics
Classification: Likely benign. Last evaluated: 2024-11-22. Review status: criteria provided, single submitter. Criteria: ACMG Guidelines, 2015. Collection method: clinical testing. Allele origin: germline.

Fulgent Genetics
Classification: Likely benign for Episodic pain syndrome, familial, 2. Last evaluated: 2021-07-23. Review status: criteria provided, single submitter. Criteria: ACMG Guidelines, 2015. Collection method: clinical testing. Allele origin: unknown.

GeneDx
Classification: Likely benign. Last evaluated: 2019-11-20. Review status: criteria provided, single submitter. Criteria: GeneDx Variant Classification Process June 2021. Collection method: clinical testing. Allele origin: germline. Affected: yes.

Ambry Genetics
Classification: Likely benign for Cardiovascular phenotype. Last evaluated: 2019-07-11. Review status: criteria provided, single submitter. Criteria: Ambry Variant Classification Scheme 2023. Collection method: clinical testing. Allele origin: germline.

NM_006514.4(SCN10A):c.2709C>T (p.Asp903=)

Gene: SCN10A (sodium voltage-gated channel alpha subunit 10; minus strand). Cytogenetic location: 3p22.2.
Variant type: single nucleotide variant.
Coding change: c.2709C>T on transcript NM_006514.4 (MANE Select); coding-DNA position 2709, C replaced by T.
Protein change: p.Asp903=; no amino-acid change (aspartic acid 903 retained).
Molecular consequence: synonymous variant.
Genome position (GRCh38, 1-based): chr3:38,726,984, G>A on the plus strand (C>T on the coding strand, the complement: SCN10A is on the minus strand). VCF-style: chr3-38726984-G-A. GRCh37 (hg19) VCF-style: chr3-38768475-G-A.
Other names: c.2709C>T, p.Asp903= (NM_001293306.2); c.2415C>T, p.Asp805= (NM_001293307.2); c.2709C>T (NM_006514.2).
Identifiers: ClinVar variation 463243 (VCV000463243.33), dbSNP rs368637625, ClinGen allele CA2320450.